The following is an entry in ClinVar:

NM_030665.4(RAI1):c.5180G>A (p.Gly1727Asp)

Gene: RAI1 (retinoic acid induced 1; plus strand). Cytogenetic location: 17p11.2.
Variant type: single nucleotide variant.
Coding change: c.5180G>A on transcript NM_030665.4 (MANE Select); coding-DNA position 5180, G replaced by A.
Protein change: p.Gly1727Asp; replaces glycine 1727 with aspartic acid.
Molecular consequence: missense variant.
Genome position (GRCh38, 1-based): chr17:17,798,128, G>A. VCF-style: chr17-17798128-G-A. GRCh37 (hg19) VCF-style: chr17-17701442-G-A.
Other names: short protein forms G1727D.
Identifiers: ClinVar variation 1401929 (VCV001401929.6), dbSNP rs2143003400, ClinGen allele CA398558514.
Genomic context (GRCh38, chr17:17,798,128, plus strand): 5'-ACCCTGAACACTGCCTCCCCAAAAAGAAGCCAAAACTCAAGGAGAAGGTGCGGCCAGAAG[G>A]CACCTGTGAGGAGGCCTCGCTGCCGCTTGAGAGAACACTCAAAGGTCCCGAGTGTGCAGC-3'
Protein context (NP_109590.3, residues 1717-1737): PKLKEKVRPE[Gly1727Asp]TCEEASLPLE

ClinVar aggregate classification (germline): Uncertain significance (1 of 4 stars; one submission).

Submission:

Labcorp Genetics (formerly Invitae), Labcorp
Classification: Uncertain significance. Last evaluated: 2021-07-31. Review status: criteria provided, single submitter. Criteria: Invitae Variant Classification Sherloc (09022015). Collection method: clinical testing. Allele origin: germline.
Comment: Algorithms developed to predict the effect of missense changes on protein structure and function are either unavailable or do not agree on the potential impact of this missense change (SIFT: "Deleterious"; PolyPhen-2: "Benign"; Align-GVGD: "Class C0"). In summary, the available evidence is currently insufficient to determine the role of this variant in disease. Therefore, it has been classified as a Variant of Uncertain Significance. This variant has not been reported in the literature in individuals affected with RAI1-related conditions. This variant is not present in population databases (ExAC no frequency). This sequence change replaces glycine with aspartic acid at codon 1727 of the RAI1 protein (p.Gly1727Asp). The glycine residue is highly conserved and there is a moderate physicochemical difference between glycine and aspartic acid.